The following is an entry in ClinVar:

ClinVar aggregate classification (germline): Uncertain significance (1 of 4 stars; one submission).

Submission:

Labcorp Genetics (formerly Invitae), Labcorp
Classification: Uncertain significance. Last evaluated: 2022-11-08. Review status: criteria provided, single submitter. Criteria: Invitae Variant Classification Sherloc (09022015). Collection method: clinical testing. Allele origin: germline.
Comment: In summary, the available evidence is currently insufficient to determine the role of this variant in disease. Therefore, it has been classified as a Variant of Uncertain Significance. Algorithms developed to predict the effect of missense changes on protein structure and function are either unavailable or do not agree on the potential impact of this missense change (SIFT: "Deleterious"; PolyPhen-2: "Possibly Damaging"; Align-GVGD: "Class C0"). This variant has not been reported in the literature in individuals affected with ROBO1-related conditions. This variant is not present in population databases (gnomAD no frequency). This sequence change replaces valine, which is neutral and non-polar, with alanine, which is neutral and non-polar, at codon 79 of the ROBO1 protein (p.Val79Ala).

NM_002941.4(ROBO1):c.236T>C (p.Val79Ala)

Gene: ROBO1 (roundabout guidance receptor 1; minus strand). Cytogenetic location: 3p12.3.
Variant type: single nucleotide variant.
Coding change: c.236T>C on transcript NM_002941.4 (MANE Select); coding-DNA position 236, T replaced by C.
Protein change: p.Val79Ala; replaces valine 79 with alanine.
Molecular consequence: missense variant.
Genome position (GRCh38, 1-based): chr3:78,938,864, A>G on the plus strand (T>C on the coding strand, the complement: ROBO1 is on the minus strand). VCF-style: chr3-78938864-A-G. GRCh37 (hg19) VCF-style: chr3-78988014-A-G.
Other names: c.119T>C, p.Val40Ala (NM_001145844.1, NM_001145845.2, NM_133631.4); short protein forms V79A, V40A.
Identifiers: ClinVar variation 2105341 (VCV002105341.4), dbSNP rs2546356450, ClinGen allele CA353682194.
Genomic context (GRCh38, chr3:78,938,864, plus strand): 5'-ATAGTGGGTGTGGGGCGGCCTTCAGCTTTGCAGTTCAAAGTTGCAGGTTCTCCTTTTGAG[A>G]CAATCAGGTCTGAAGGGTGTTCAACAATGCGAGGTGGAAAATCTTCCTGACGAAGACGGG-3'
Protein context (NP_002932.1, residues 69-89): RIVEHPSDLI[Val79Ala]SKGEPATLNC